The following is an entry in ClinVar:

NM_001909.5(CTSD):c.153del (p.Val52fs)

Genes: CTSD (cathepsin D; minus strand), PRADX (PRC2 and DDX5 associated lncRNA; plus strand). Cytogenetic location: 11p15.5.
Variant type: Deletion.
Coding change: c.153del on transcript NM_001909.5 (MANE Select); coding-DNA position 153, one base deleted (C; older notation c.153delC).
Protein change: p.Val52fs; shifts the reading frame from valine 52.
Molecular consequence: frameshift variant.
Genome position (GRCh38, 1-based): chr11:1,761,384, G deleted on the plus strand (C on the coding strand, the reverse complement: CTSD is on the minus strand); the first of 4 consecutive G bases (chr11:1,761,384-1,761,387); deleting any one gives the same sequence. VCF-style (leftmost placement, unchanged base first): chr11-1761383-CG-C. GRCh37 (hg19) VCF-style: chr11-1782613-CG-C.
Other names: short protein forms V52fs.
Identifiers: ClinVar variation 2419916 (VCV002419916.8), dbSNP rs35855065, ClinGen allele CA597430643.

ClinVar aggregate classification (germline): Pathogenic/Likely pathogenic. Review status: criteria provided, multiple submitters, no conflicts (2 of 4 stars). 2 submissions from 2 submitters: Pathogenic (1); Likely pathogenic (1). Last evaluated 2023-09-22.

Conditions:
Neuronal ceroid lipofuscinosis. Also called: Neuronal Ceroid Lipofuscinoses. Identifiers: Orphanet 216, Orphanet 79263, MedGen C0027877, MONDO:0016295. Disease mechanism: loss of function.
CTSD-related disorder. Also called: CTSD-related condition.

Submissions (2):

Labcorp Genetics (formerly Invitae), Labcorp
Classification: Pathogenic for Neuronal ceroid lipofuscinosis. Last evaluated: 2023-09-22. Review status: criteria provided, single submitter. Criteria: Invitae Variant Classification Sherloc (09022015). Collection method: clinical testing. Allele origin: germline.
Comment: This sequence change creates a premature translational stop signal (p.Val52Serfs*11) in the CTSD gene. It is expected to result in an absent or disrupted protein product. Loss-of-function variants in CTSD are known to be pathogenic (PMID: 16670177, 26059544). This variant is present in population databases (no rsID available, gnomAD 0.01%). This variant has not been reported in the literature in individuals affected with CTSD-related conditions. ClinVar contains an entry for this variant (Variation ID: 2419916). For these reasons, this variant has been classified as Pathogenic.

Blueprint Genetics
Classification: Likely pathogenic for CTSD-related disorders. Last evaluated: 2022-09-08. Review status: criteria provided, single submitter. Criteria: ACMG Guidelines, 2015. Collection method: clinical testing. Allele origin: germline. Affected: yes. Observed: 1 variant allele.

Literature cited by the submitters: PubMed 16670177 (cited by Labcorp Genetics (formerly Invitae), Labcorp); PubMed 26059544 (cited by Labcorp Genetics (formerly Invitae), Labcorp).